The following is an entry in ClinVar:

ClinVar aggregate classification (germline): Uncertain significance. Review status: criteria provided, single submitter (1 of 4 stars). 2 submissions from 2 submitters: Uncertain significance (1). 1 of the submissions does not count toward it. Last evaluated 2025-01-27.

Conditions:
Glycogen storage disease type III (GSD3). Also called: Cori disease; FORBES DISEASE. Identifiers: Orphanet 366, MedGen C0017922, MONDO:0009291, OMIM 232400.

Allele frequency attached by ClinVar (database versions not stated): gnomAD exomes below 0.00001; ExAC 0.00001.
gnomAD v4.1: 5 of 1,613,290 alleles (0.00031%); highest among the groups gnomAD compares: African/African-American, 0.0013%; no homozygotes.

Submissions (2):

Labcorp Genetics (formerly Invitae), Labcorp
Classification: Uncertain significance for Glycogen storage disease type III. Last evaluated: 2025-01-27. Review status: criteria provided, single submitter. Criteria: Invitae Variant Classification Sherloc (09022015). Collection method: clinical testing. Allele origin: germline.
Comment: This sequence change replaces alanine, which is neutral and non-polar, with threonine, which is neutral and polar, at codon 543 of the AGL protein (p.Ala543Thr). This variant is present in population databases (rs749550642, gnomAD 0.0009%). This variant has not been reported in the literature in individuals affected with AGL-related conditions. ClinVar contains an entry for this variant (Variation ID: 963933). Invitae Evidence Modeling of protein sequence and biophysical properties (such as structural, functional, and spatial information, amino acid conservation, physicochemical variation, residue mobility, and thermodynamic stability) indicates that this missense variant is expected to disrupt AGL protein function with a positive predictive value of 80%. In summary, the available evidence is currently insufficient to determine the role of this variant in disease. Therefore, it has been classified as a Variant of Uncertain Significance.

Natera, Inc.
Classification: Uncertain significance for Glycogen storage disease type III. Last evaluated: 2020-05-28. Review status: no assertion criteria provided. Collection method: clinical testing. Allele origin: germline. Not counted in ClinVar's aggregate classification.

NM_000642.3(AGL):c.1627G>A (p.Ala543Thr)

Gene: AGL (amylo-alpha-1,6-glucosidase and 4-alpha-glucanotransferase; plus strand). Cytogenetic location: 1p21.2.
Variant type: single nucleotide variant.
Coding change: c.1627G>A on transcript NM_000642.3 (MANE Select); coding-DNA position 1627, G replaced by A.
Protein change: p.Ala543Thr; replaces alanine 543 with threonine.
Molecular consequence: missense variant.
Genome position (GRCh38, 1-based): chr1:99,879,938, G>A. VCF-style: chr1-99879938-G-A. GRCh37 (hg19) VCF-style: chr1-100345494-G-A.
Other names: c.1627G>A, p.Ala543Thr (NM_000028.3, NM_000643.3, NM_000644.3 and 2 more transcripts); c.1579G>A, p.Ala527Thr (NM_000646.3); c.1426G>A, p.Ala476Thr (NM_001425327.1); c.1423G>A, p.Ala475Thr (NM_001425328.1, NM_001425329.1); c.1249G>A, p.Ala417Thr (NM_001425332.1); short protein forms A527T, A543T, A417T, A475T, A476T.
Identifiers: ClinVar variation 963933 (VCV000963933.13), dbSNP rs749550642, ClinGen allele CA966556.